The following is an entry in ClinVar:

NM_001267550.2(TTN):c.23538C>T (p.Phe7846=)

Gene: TTN (titin; minus strand). Cytogenetic location: 2q31.2.
Variant type: single nucleotide variant.
Coding change: c.23538C>T on transcript NM_001267550.2 (MANE Select); coding-DNA position 23538, C replaced by T.
Protein change: p.Phe7846=; no amino-acid change (phenylalanine 7846 retained).
Molecular consequence: synonymous variant. On other transcripts: intron variant (3).
Genome position (GRCh38, 1-based): chr2:178,720,104, G>A on the plus strand (C>T on the coding strand, the complement: TTN is on the minus strand). VCF-style: chr2-178720104-G-A. GRCh37 (hg19) VCF-style: chr2-179584831-G-A.
Other names: p.Phe6602=; c.19806C>T, p.Phe6602= (NM_133378.4); c.22587C>T, p.Phe7529= (NM_001256850.1); c.13282+17978C>T (NM_003319.4); c.13858+17978C>T (NM_133437.4); c.13657+17978C>T (NM_133432.3).
Identifiers: ClinVar variation 178911 (VCV000178911.28), dbSNP rs149523263, ClinGen allele CA183290.

ClinVar aggregate classification (germline): Conflicting classifications of pathogenicity. Review status: criteria provided, conflicting classifications (1 of 4 stars). 13 submissions from 9 submitters: Uncertain significance (4); Benign (2); Likely benign (7). Last evaluated 2026-06-24.

Conditions:
TTN-related disorder. Also called: TTN-related condition; TTN-related disease; TTN-related disorders.
Dilated cardiomyopathy 1G (CMD1G). Identifiers: Orphanet 154, MedGen C1858763, MONDO:0011400, OMIM 604145.
Autosomal recessive limb-girdle muscular dystrophy type 2J (LGMDR10). Also called: Limb-girdle muscular dystrophy, type 2J; MUSCULAR DYSTROPHY, LIMB-GIRDLE, AUTOSOMAL RECESSIVE 10. Identifiers: Orphanet 140922, MedGen C1837342, MONDO:0012127, OMIM 608807.
Early-onset myopathy with fatal cardiomyopathy (CMYO5). Also called: CONGENITAL MYOPATHY 5 WITH CARDIOMYOPATHY; Salih Myopathy. Identifiers: Orphanet 289377, MedGen C2673677, MONDO:0012714, OMIM 611705. Disease mechanism: loss of function.
Myopathy, myofibrillar, 9, with early respiratory failure (MFM9). Also called: Hereditary myopathy with early respiratory failure; EDSTROM MYOPATHY; MYOPATHY, PROXIMAL, WITH EARLY RESPIRATORY MUSCLE INVOLVEMENT; Myopathy, distal, with early respiratory failure, autosomal dominant. Identifiers: Orphanet 178464, Orphanet 34521, MedGen C1863599, MONDO:0011362, OMIM 603689.
Tibial muscular dystrophy (TMD). Also called: Udd Distal Myopathy – Tibial Muscular Dystrophy; UDD MYOPATHY; Tibial muscular dystrophy, tardive. Identifiers: Orphanet 609, MedGen C1838244, MONDO:0010870, OMIM 600334.

Allele frequency attached by ClinVar (database versions not stated): TOPMed 0.00002; 1000 Genomes Project 30x 0.00031.
gnomAD v4.1: 42 of 1,613,750 alleles (0.0026%); highest among the groups gnomAD compares: Admixed American, 0.057%; no homozygotes.

Submissions (13):

PreventionGenetics, part of Exact Sciences
Classification: Likely benign for TTN-related condition. Last evaluated: 2026-06-24. Review status: criteria provided, single submitter. Criteria: ACMG Guidelines, 2015. Collection method: clinical testing. Allele origin: germline.
Comment: This variant is classified as likely benign based on ACMG/AMP sequence variant interpretation guidelines (Richards et al. 2015 PMID: 25741868, with internal and published modifications).

Labcorp Genetics (formerly Invitae), Labcorp
Classification: Likely benign for Dilated cardiomyopathy 1G; Autosomal recessive limb-girdle muscular dystrophy type 2J. Last evaluated: 2026-01-07. Review status: criteria provided, single submitter. Criteria: Invitae Variant Classification Sherloc (09022015). Collection method: clinical testing. Allele origin: germline.

Mayo Clinic Laboratories, Mayo Clinic
Classification: Likely benign. Last evaluated: 2025-08-04. Review status: criteria provided, single submitter. Criteria: ACMG Guidelines, 2015. Collection method: clinical testing. Allele origin: germline. Observed: 1 variant allele.
Comment: BP4, BP7

Blueprint Genetics
Classification: Likely benign. Last evaluated: 2024-01-30. Review status: criteria provided, single submitter. Criteria: ACMG Guidelines, 2015. Collection method: clinical testing. Allele origin: germline.

Revvity Omics, Revvity
Classification: Uncertain significance. Last evaluated: 2022-12-13. Review status: criteria provided, single submitter. Criteria: ACMG Guidelines, 2015. Collection method: clinical testing. Allele origin: germline.

GeneDx
Classification: Likely benign. Last evaluated: 2021-01-04. Review status: criteria provided, single submitter. Criteria: GeneDx Variant Classification Process June 2021. Collection method: clinical testing. Allele origin: germline. Affected: yes.

Women's Health and Genetics/Laboratory Corporation of America, LabCorp
Classification: Likely benign. Last evaluated: 2020-02-22. Review status: criteria provided, single submitter. Criteria: LabCorp Variant Classification Summary - May 2015. Collection method: clinical testing. Allele origin: germline.

Illumina Laboratory Services, Illumina
Classification: Benign for Myopathy, myofibrillar, 9, with early respiratory failure. Last evaluated: 2018-01-12. Review status: criteria provided, single submitter. Criteria: ICSL Variant Classification Criteria 13 December 2019. Collection method: clinical testing. Allele origin: germline.
Comment: This variant was observed in the ICSL laboratory as part of a predisposition screen in an ostensibly healthy population. It had not been previously curated by ICSL or reported in the Human Gene Mutation Database (HGMD: prior to June 1st, 2018), and was therefore a candidate for classification through an automated scoring system. Utilizing variant allele frequency, disease prevalence and penetrance estimates, and inheritance mode, an automated score was calculated to assess if this variant is too frequent to cause the disease. Based on the score and internal cut-off values, a variant classified as benign is not then subjected to further curation. The score for this variant resulted in a classification of benign for this disease.

Illumina Laboratory Services, Illumina
Classification: Uncertain significance for Dilated cardiomyopathy 1G. Last evaluated: 2018-01-12. Review status: criteria provided, single submitter. Criteria: ICSL Variant Classification Criteria 13 December 2019. Collection method: clinical testing. Allele origin: germline.

Illumina Laboratory Services, Illumina
Classification: Uncertain significance for Early-onset myopathy with fatal cardiomyopathy. Last evaluated: 2018-01-12. Review status: criteria provided, single submitter. Criteria: ICSL Variant Classification Criteria 13 December 2019. Collection method: clinical testing. Allele origin: germline.

Illumina Laboratory Services, Illumina
Classification: Benign for Tibial muscular dystrophy. Last evaluated: 2018-01-12. Review status: criteria provided, single submitter. Criteria: ICSL Variant Classification Criteria 13 December 2019. Collection method: clinical testing. Allele origin: germline.
Comment: the same text as in the submission from Illumina Laboratory Services, Illumina above.

Illumina Laboratory Services, Illumina
Classification: Uncertain significance for Autosomal recessive limb-girdle muscular dystrophy type 2J. Last evaluated: 2018-01-12. Review status: criteria provided, single submitter. Criteria: ICSL Variant Classification Criteria 13 December 2019. Collection method: clinical testing. Allele origin: germline.

Laboratory for Molecular Medicine, Mass General Brigham Personalized Medicine
Classification: Likely benign. Last evaluated: 2013-04-10. Review status: criteria provided, single submitter. Criteria: LMM Criteria. Collection method: clinical testing. Allele origin: germline. Observed: 1 variant allele.
Comment: Phe6602Phe in exon 78 of TTN: This variant is not expected to have clinical sign ificance because it does not alter an amino acid residue and is not located with in the splice consensus sequence. Phe6602Phe in exon 78 of TTN (allele frequenc y = n/a)